The following is an entry in ClinVar:

ClinVar aggregate classification (germline): Uncertain significance (1 of 4 stars; one submission).

Conditions:
Ataxia-telangiectasia syndrome (AT). Also called: LOUIS-BAR SYNDROME; Cerebello-oculocutaneous telangiectasia; Immunodeficiency with ataxia telangiectasia; Ataxia-telangiectasia, complementation group D; AT, COMPLEMENTATION GROUP C; ATAXIA-TELANGIECTASIA, COMPLEMENTATION GROUP A. Identifiers: Orphanet 100, MedGen C0004135, MONDO:0008840, OMIM 208900.

Submission:

Labcorp Genetics (formerly Invitae), Labcorp
Classification: Uncertain significance for Ataxia-telangiectasia syndrome. Last evaluated: 2025-06-18. Review status: criteria provided, single submitter. Criteria: Invitae Variant Classification Sherloc (09022015). Collection method: clinical testing. Allele origin: germline.
Comment: This sequence change replaces asparagine, which is neutral and polar, with histidine, which is basic and polar, at codon 2875 of the ATM protein (p.Asn2875His). This variant is not present in population databases (gnomAD no frequency). This variant has not been reported in the literature in individuals affected with ATM-related conditions. Invitae Evidence Modeling of protein sequence and biophysical properties (such as structural, functional, and spatial information, amino acid conservation, physicochemical variation, residue mobility, and thermodynamic stability) indicates that this missense variant is expected to disrupt ATM protein function with a positive predictive value of 95%. In summary, the available evidence is currently insufficient to determine the role of this variant in disease. Therefore, it has been classified as a Variant of Uncertain Significance.

NM_000051.4(ATM):c.8623A>C (p.Asn2875His)

Genes: ATM (ATM serine/threonine kinase; plus strand), C11orf65 (chromosome 11 open reading frame 65; minus strand). Cytogenetic location: 11q22.3.
Variant type: single nucleotide variant.
Coding change: c.8623A>C on transcript NM_000051.4 (MANE Select); coding-DNA position 8623, A replaced by C.
Protein change: p.Asn2875His; replaces asparagine 2875 with histidine.
Molecular consequence: missense variant. On other transcripts: intron variant (2).
Genome position (GRCh38, 1-based): chr11:108,347,317, A>C. VCF-style: chr11-108347317-A-C. GRCh37 (hg19) VCF-style: chr11-108218044-A-C.
Other names: c.8623A>C, p.Asn2875His (NM_001351834.2); c.641-38246T>G (NM_001330368.2); c.695-12025T>G (NM_001351110.2); short protein forms N2875H.
Identifiers: ClinVar variation 4747273 (VCV004747273.1), dbSNP rs1057519869.